The following is an entry in ClinVar:

NM_000045.4(ARG1):c.594_595dup (p.Ser199fs)

Genes: ARG1 (arginase 1; plus strand), MED23 (mediator complex subunit 23; minus strand). Cytogenetic location: 6q23.2.
Variant type: Duplication.
Coding change: c.594_595dup on transcript NM_000045.4 (MANE Select); coding-DNA positions 594 to 595, 2 bases duplicated (TT; older notation c.594_595dupTT).
Protein change: p.Ser199fs; shifts the reading frame from serine 199.
Molecular consequence: frameshift variant. On other transcripts: non-coding transcript variant (1), intron variant (2).
Genome position (GRCh38, 1-based): chr6:131,583,093-131,583,094, TT duplicated; duplicating any 2 consecutive bases within chr6:131,583,091-131,583,094 gives the same sequence; the c. name uses the placement nearest the transcript's 3' end. VCF-style (leftmost placement, unchanged base first): chr6-131583090-C-CTT. GRCh37 (hg19) VCF-style: chr6-131904230-C-CTT.
Other names: c.618_619dup, p.Ser207fs (NM_001244438.2); c.339_340dup, p.Ser114fs (NM_001369020.1); c.4077+4617_4077+4618dup (NM_001270521.2); c.4095+4617_4095+4618dup (NM_015979.4); short protein forms S199fs, S207fs, S114fs.
Identifiers: ClinVar variation 2064930 (VCV002064930.4), dbSNP rs1337890012, ClinGen allele CA570508567.

ClinVar aggregate classification (germline): Pathogenic (1 of 4 stars; one submission).

Conditions:
Arginase deficiency. Also called: ARGININEMIA; ARG1 DEFICIENCY; Arginase 1 Deficiency. Identifiers: Orphanet 90, MedGen C0268548, MONDO:0008814, OMIM 207800.

Submission:

Labcorp Genetics (formerly Invitae), Labcorp
Classification: Pathogenic for Arginase deficiency. Last evaluated: 2022-09-19. Review status: criteria provided, single submitter. Criteria: Invitae Variant Classification Sherloc (09022015). Collection method: clinical testing. Allele origin: germline.
Comment: This sequence change creates a premature translational stop signal (p.Ser199Phefs*3) in the ARG1 gene. It is expected to result in an absent or disrupted protein product. Loss-of-function variants in ARG1 are known to be pathogenic (PMID: 7649538, 12052859). This variant is present in population databases (no rsID available, gnomAD 0.0009%). This variant has not been reported in the literature in individuals affected with ARG1-related conditions. For these reasons, this variant has been classified as Pathogenic.

Literature cited by the submitters: PubMed 7649538; PubMed 12052859.